The following is an entry in ClinVar:

ClinVar aggregate classification (germline): Pathogenic (1 of 4 stars; one submission).

Conditions:
Bifunctional peroxisomal enzyme deficiency (DBIF). Also called: D-bifunctional protein deficiency; DBP DEFICIENCY; PBFE DEFICIENCY. Identifiers: Orphanet 300, MedGen C0342870, MONDO:0009855, OMIM 261515. Disease mechanism: loss of function.
Perrault syndrome. Also called: Gonadal dysgenesis with auditory dysfunction, autosomal recessive inheritance. Identifiers: Orphanet 2855, MedGen C0685838, MONDO:0017312.

Allele frequency attached by ClinVar (database versions not stated): gnomAD exomes below 0.00001.

Submission:

Labcorp Genetics (formerly Invitae), Labcorp
Classification: Pathogenic for Perrault syndrome; Bifunctional peroxisomal enzyme deficiency. Last evaluated: 2021-03-29. Review status: criteria provided, single submitter. Criteria: Invitae Variant Classification Sherloc (09022015). Collection method: clinical testing. Allele origin: germline.
Comment: For these reasons, this variant has been classified as Pathogenic. This variant has not been reported in the literature in individuals with HSD17B4-related conditions. This variant is not present in population databases (ExAC no frequency). This sequence change creates a premature translational stop signal (p.Pro220Leufs*38) in the HSD17B4 gene. It is expected to result in an absent or disrupted protein product. Loss-of-function variants in HSD17B4 are known to be pathogenic (PMID: 11810648, 16385454).

Literature cited by the submitters: PubMed 11810648; PubMed 16385454.

NM_000414.4(HSD17B4):c.657del (p.Pro220fs)

Gene: HSD17B4 (hydroxysteroid 17-beta dehydrogenase 4; plus strand). Cytogenetic location: 5q23.1.
Variant type: Deletion.
Coding change: c.657del on transcript NM_000414.4 (MANE Select); coding-DNA position 657, one base deleted (A; older notation c.657delA).
Protein change: p.Pro220fs; shifts the reading frame from proline 220.
Molecular consequence: frameshift variant. On other transcripts: non-coding transcript variant (2).
Genome position (GRCh38, 1-based): chr5:119,489,226, A deleted. VCF-style (leftmost placement, unchanged base first): chr5-119489225-CA-C. GRCh37 (hg19) VCF-style: chr5-118824920-CA-C.
Other names: c.732del, p.Pro245fs (NM_001199291.3); c.603del, p.Pro202fs (NM_001199292.2); c.585del, p.Pro196fs (NM_001292027.2); c.237del, p.Pro80fs (NM_001292028.2); c.648del, p.Pro217fs (NM_001374497.1); c.657del, p.Pro220fs (NM_001374498.1); c.330del, p.Pro111fs (NM_001374499.1); c.216del, p.Pro73fs (NM_001374500.1); and 1 more; short protein forms P111fs, P217fs, P245fs, P73fs, P196fs, P220fs, P83fs, P202fs.
Identifiers: ClinVar variation 1453246 (VCV001453246.6), dbSNP rs2126740125, ClinGen allele CA2573138648.